The following is an entry in ClinVar:

NM_181703.4(GJA5):c.199G>A (p.Asp67Asn)

Gene: GJA5 (gap junction protein alpha 5; minus strand). Cytogenetic location: 1q21.2.
Variant type: single nucleotide variant.
Coding change: c.199G>A on transcript NM_181703.4 (MANE Select); coding-DNA position 199, G replaced by A.
Protein change: p.Asp67Asn; replaces aspartic acid 67 with asparagine.
Molecular consequence: missense variant.
Genome position (GRCh38, 1-based): chr1:147,759,040, C>T on the plus strand (G>A on the coding strand, the complement: GJA5 is on the minus strand). VCF-style: chr1-147759040-C-T. GRCh37 (hg19) VCF-style: chr1-147231148-C-T.
Other names: c.199G>A, p.Asp67Asn (NM_005266.7); short protein forms D67N.
Identifiers: ClinVar variation 1018451 (VCV001018451.10), dbSNP rs150906806, ClinGen allele CA1065810.

ClinVar aggregate classification (germline): Uncertain significance. Review status: criteria provided, multiple submitters, no conflicts (2 of 4 stars). 2 submissions from 2 submitters: Uncertain significance (2). Last evaluated 2025-05-05.

Conditions:
Atrial fibrillation, familial, 11 (ATFB11). Identifiers: MedGen C3279693, MONDO:0013544, OMIM 614049.
Atrial standstill 1 (ATRST1). Also called: ATRIAL CARDIOMYOPATHY WITH HEART BLOCK; CARDIOMYOPATHY, FAMILIAL, WITH CONDUCTION DISTURBANCE; Atrial standstill, digenic (GJA5/SCN5A). Identifiers: Orphanet 1344, MedGen C4551959, MONDO:0007171, OMIM 108770.

Allele frequency attached by ClinVar (database versions not stated): gnomAD exomes below 0.00001 and 0.00001; ExAC 0.00002; TOPMed 0.00004; gnomAD 0.00005; ESP Exome Variant Server 0.00008; 1000 Genomes Project 30x 0.00016; 1000 Genomes Project 0.00020.
gnomAD v4.1: 14 of 1,614,050 alleles (0.00087%); highest among the groups gnomAD compares: Admixed American, 0.015%; no homozygotes.

Submissions (2):

Labcorp Genetics (formerly Invitae), Labcorp
Classification: Uncertain significance for Atrial fibrillation, familial, 11; Atrial standstill 1. Last evaluated: 2025-05-05. Review status: criteria provided, single submitter. Criteria: Invitae Variant Classification Sherloc (09022015). Collection method: clinical testing. Allele origin: germline.
Comment: This sequence change replaces aspartic acid, which is acidic and polar, with asparagine, which is neutral and polar, at codon 67 of the GJA5 protein (p.Asp67Asn). This variant is present in population databases (rs150906806, gnomAD 0.006%). This variant has not been reported in the literature in individuals affected with GJA5-related conditions. ClinVar contains an entry for this variant (Variation ID: 1018451). Invitae Evidence Modeling of protein sequence and biophysical properties (such as structural, functional, and spatial information, amino acid conservation, physicochemical variation, residue mobility, and thermodynamic stability) indicates that this missense variant is not expected to disrupt GJA5 protein function with a negative predictive value of 80%. In summary, the available evidence is currently insufficient to determine the role of this variant in disease. Therefore, it has been classified as a Variant of Uncertain Significance.

AiLife Diagnostics
Classification: Uncertain significance. Last evaluated: 2021-12-03. Review status: criteria provided, single submitter. Criteria: ACMG Guidelines, 2015. Collection method: clinical testing. Allele origin: germline. Affected: yes. Observed: 2 variant alleles.